The following is an entry in ClinVar:

ClinVar aggregate classification (germline): Uncertain significance (1 of 4 stars; one submission).

Conditions:
Cardiovascular phenotype. Identifiers: MedGen CN230736.

gnomAD v4.1: 1 of 1,614,034 alleles (0.000062%); highest among the groups gnomAD compares: Non-Finnish European, 0.000085%; no homozygotes.

Submission:

Ambry Genetics
Classification: Uncertain significance for Cardiovascular phenotype. Last evaluated: 2025-03-25. Review status: criteria provided, single submitter. Criteria: Ambry Variant Classification Scheme 2023. Collection method: clinical testing. Allele origin: germline.
Comment: The p.E2518K variant (also known as c.7552G>A), located in coding exon 38 of the ANK2 gene, results from a G to A substitution at nucleotide position 7552. The glutamic acid at codon 2518 is replaced by lysine, an amino acid with similar properties. This amino acid position is conserved. In addition, the in silico prediction for this alteration is inconclusive. Based on the available evidence, the clinical significance of this variant remains unclear.

NM_001148.6(ANK2):c.7552G>A (p.Glu2518Lys)

Genes: ANK2 (ankyrin 2; plus strand), LOC126807137 (CDK7 strongly-dependent group 2 enhancer GRCh37_chr4:114276560-114277759; plus strand). Cytogenetic location: 4q26.
Variant type: single nucleotide variant.
Coding change: c.7552G>A on transcript NM_001148.6 (MANE Select); coding-DNA position 7552, G replaced by A.
Protein change: p.Glu2518Lys; replaces glutamic acid 2518 with lysine.
Molecular consequence: missense variant. On other transcripts: intron variant (68).
Genome position (GRCh38, 1-based): chr4:113,356,170, G>A. VCF-style: chr4-113356170-G-A. GRCh37 (hg19) VCF-style: chr4-114277326-G-A.
Other names: c.7318G>A, p.Glu2440Lys (NM_001386142.1); c.3952G>A, p.Glu1318Lys (NM_001386166.1); c.7693G>A, p.Glu2565Lys (NM_001386174.1); c.7669G>A, p.Glu2557Lys (NM_001386175.1); c.4412-4653G>A (NM_001386186.2, NM_001386148.2); c.4214-4653G>A (NM_001354269.3); c.4292-4653G>A (NM_001386187.2); c.4253-4653G>A (NM_001386147.1); and 35 more; short protein forms E1318K, E2518K, E2440K, E2557K, E2565K.
Identifiers: ClinVar variation 4050828 (VCV004050828.1).